The following is an entry in ClinVar:

ClinVar aggregate classification (germline): Uncertain significance (1 of 4 stars; one submission).

Allele frequency attached by ClinVar (database versions not stated): gnomAD 0.00001; ExAC 0.00007; gnomAD exomes 0.00003 and 0.00006.
gnomAD v4.1: 49 of 1,579,892 alleles (0.0031%); highest among the groups gnomAD compares: Middle Eastern, 0.15%; no homozygotes.

Submission:

Labcorp Genetics (formerly Invitae), Labcorp
Classification: Uncertain significance. Last evaluated: 2023-08-17. Review status: criteria provided, single submitter. Criteria: Invitae Variant Classification Sherloc (09022015). Collection method: clinical testing. Allele origin: germline.
Comment: In summary, the available evidence is currently insufficient to determine the role of this variant in disease. Therefore, it has been classified as a Variant of Uncertain Significance. Algorithms developed to predict the effect of sequence changes on RNA splicing suggest that this variant may create or strengthen a splice site. ClinVar contains an entry for this variant (Variation ID: 1493126). This variant has not been reported in the literature in individuals affected with ATP8A2-related conditions. This variant is present in population databases (rs750811533, gnomAD 0.01%). This sequence change falls in intron 13 of the ATP8A2 gene. It does not directly change the encoded amino acid sequence of the ATP8A2 protein.

NM_016529.6(ATP8A2):c.1263+17G>T

Gene: ATP8A2 (ATPase phospholipid transporting 8A2). Cytogenetic location: 13q12.13.
Variant type: single nucleotide variant.
Coding change: c.1263+17G>T on transcript NM_016529.6 (MANE Select); 17 bases into the intron after coding-DNA position 1263, G replaced by T.
Molecular consequence: intron variant.
Genome position (GRCh38, 1-based): chr13:25,555,085, G>T. VCF-style: chr13-25555085-G-T. GRCh37 (hg19) VCF-style: chr13-26129223-G-T.
Other names: c.1143+17G>T (NM_001313741.1).
Identifiers: ClinVar variation 1493126 (VCV001493126.6), dbSNP rs750811533, ClinGen allele CA6922834.